The following is an entry in ClinVar:

ClinVar aggregate classification (germline): Uncertain significance (1 of 4 stars; one submission).

Conditions:
Inclusion body myopathy with early-onset Paget disease with or without frontotemporal dementia 2 (IBMPFD2). Also called: MULTISYSTEM PROTEINOPATHY 2. Identifiers: MedGen C3809468, MONDO:0014178, OMIM 615422.

Allele frequency attached by ClinVar (database versions not stated): ExAC 0.00002; gnomAD exomes 0.00002; gnomAD 0.00003 and 0.00004; TOPMed 0.00003.

Submission:

Labcorp Genetics (formerly Invitae), Labcorp
Classification: Uncertain significance for Inclusion body myopathy with early-onset Paget disease with or without frontotemporal dementia 2. Last evaluated: 2024-08-23. Review status: criteria provided, single submitter. Criteria: Invitae Variant Classification Sherloc (09022015). Collection method: clinical testing. Allele origin: germline.
Comment: This sequence change replaces lysine, which is basic and polar, with arginine, which is basic and polar, at codon 17 of the HNRNPA2B1 protein (p.Lys17Arg). This variant is present in population databases (rs751281272, gnomAD 0.005%). This variant has not been reported in the literature in individuals affected with HNRNPA2B1-related conditions. ClinVar contains an entry for this variant (Variation ID: 1010666). Invitae Evidence Modeling of protein sequence and biophysical properties (such as structural, functional, and spatial information, amino acid conservation, physicochemical variation, residue mobility, and thermodynamic stability) indicates that this missense variant is not expected to disrupt HNRNPA2B1 protein function with a negative predictive value of 80%. In summary, the available evidence is currently insufficient to determine the role of this variant in disease. Therefore, it has been classified as a Variant of Uncertain Significance.

NM_002137.4(HNRNPA2B1):c.14A>G (p.Lys5Arg)

Gene: HNRNPA2B1 (heterogeneous nuclear ribonucleoprotein A2/B1; minus strand). Cytogenetic location: 7p15.2.
Variant type: single nucleotide variant.
Coding change: c.14A>G on transcript NM_002137.4 (MANE Select); coding-DNA position 14, A replaced by G.
Protein change: p.Lys5Arg; replaces lysine 5 with arginine.
Molecular consequence: missense variant.
Genome position (GRCh38, 1-based): chr7:26,197,725, T>C on the plus strand (A>G on the coding strand, the complement: HNRNPA2B1 is on the minus strand). VCF-style: chr7-26197725-T-C. GRCh37 (hg19) VCF-style: chr7-26237345-T-C.
Other names: c.50A>G, p.Lys17Arg (NM_031243.4); short protein forms K17R, K5R.
Identifiers: ClinVar variation 1010666 (VCV001010666.8), dbSNP rs751281272, ClinGen allele CA4194801.